The following is an entry in ClinVar:

NM_017617.5(NOTCH1):c.3988C>T (p.Arg1330Cys)

Gene: NOTCH1 (notch receptor 1; minus strand). Cytogenetic location: 9q34.3.
Variant type: single nucleotide variant.
Coding change: c.3988C>T on transcript NM_017617.5 (MANE Select); coding-DNA position 3988, C replaced by T.
Protein change: p.Arg1330Cys; replaces arginine 1330 with cysteine.
Molecular consequence: missense variant.
Genome position (GRCh38, 1-based): chr9:136,506,553, G>A on the plus strand (C>T on the coding strand, the complement: NOTCH1 is on the minus strand). VCF-style: chr9-136506553-G-A. GRCh37 (hg19) VCF-style: chr9-139401005-G-A.
Other names: c.3988C>T (NM_017617.3); short protein forms R1330C.
Identifiers: ClinVar variation 1429202 (VCV001429202.9), dbSNP rs1249540119, ClinGen allele CA375548680.

ClinVar aggregate classification (germline): Conflicting classifications of pathogenicity. Review status: criteria provided, conflicting classifications (1 of 4 stars). 4 submissions from 4 submitters: Uncertain significance (3); Benign (1). Last evaluated 2025-07-08.

Conditions:
Adams-Oliver syndrome 5 (AOS5). Identifiers: Orphanet 974, MedGen C4014970, MONDO:0014459, OMIM 616028.
Aortic valve disease 1 (AOVD1). Identifiers: MedGen C3887892, MONDO:0024523, OMIM 109730.
Familial thoracic aortic aneurysm and aortic dissection (TAAD). Also called: Thoracic aortic aneurysms and dissections. Identifiers: Orphanet 91387, MedGen C4707243, MONDO:0019625.

Allele frequency attached by ClinVar (database versions not stated): gnomAD 0.00001; gnomAD exomes 0.00001; TOPMed 0.00002.

Submissions (4):

Labcorp Genetics (formerly Invitae), Labcorp
Classification: Benign for Adams-Oliver syndrome 5. Last evaluated: 2025-07-08. Review status: criteria provided, single submitter. Criteria: Invitae Variant Classification Sherloc (09022015). Collection method: clinical testing. Allele origin: germline.

Ambry Genetics
Classification: Uncertain significance for Familial thoracic aortic aneurysm and aortic dissection. Last evaluated: 2025-02-21. Review status: criteria provided, single submitter. Criteria: Ambry Variant Classification Scheme 2023. Collection method: clinical testing. Allele origin: germline.
Comment: The p.R1330C variant (also known as c.3988C>T), located in coding exon 24 of the NOTCH1 gene, results from a C to T substitution at nucleotide position 3988. The arginine at codon 1330 is replaced by cysteine, an amino acid with highly dissimilar properties. This variant has been reported in an intracranial vertebral&ndash;basilar artery dissection (IVAD) cohort (Wang K et al. J Hum Genet, 2018 Nov;63:1119-1128). This amino acid position is well conserved in available vertebrate species. In addition, the in silico prediction for this alteration is inconclusive. Based on the available evidence, the clinical significance of this variant remains unclear.

Women's Health and Genetics/Laboratory Corporation of America, LabCorp
Classification: Uncertain significance. Last evaluated: 2024-08-05. Review status: criteria provided, single submitter. Criteria: LabCorp Variant Classification Summary - May 2015. Collection method: clinical testing. Allele origin: germline.
Comment: Variant summary: NOTCH1 c.3988C>T (p.Arg1330Cys) results in a non-conservative amino acid change located in the EGF-like domain of the encoded protein sequence. Four of four in-silico tools predict a damaging effect of the variant on protein function. The variant allele was found at a frequency of 1.3e-05 in 239120 control chromosomes. The available data on variant occurrences in the general population are insufficient to allow any conclusion about variant significance. To our knowledge, no occurrence of c.3988C>T in individuals affected with Aortic Valve Disease or Adams-Oliver Syndrome and no experimental evidence demonstrating its impact on protein function have been reported. ClinVar contains an entry for this variant (Variation ID: 1429202). Based on the evidence outlined above, the variant was classified as uncertain significance.

Fulgent Genetics
Classification: Uncertain significance for Aortic valve disease 1; Adams-Oliver syndrome 5. Last evaluated: 2021-09-10. Review status: criteria provided, single submitter. Criteria: ACMG Guidelines, 2015. Collection method: clinical testing. Allele origin: unknown.

Literature cited by the submitters: PubMed 30115950 (cited by Ambry Genetics).